The following is an entry in ClinVar:

ClinVar aggregate classification (germline): Likely benign (1 of 4 stars; one submission).

Submission:

GeneDx
Classification: Likely benign. Last evaluated: 2012-01-23. Review status: criteria provided, single submitter. Criteria: GeneDx Variant Classification (06012015). Collection method: clinical testing. Allele origin: germline. Affected: yes.
Comment: This variant is considered likely benign or benign based on one or more of the following criteria: it is a conservative change, it occurs at a poorly conserved position in the protein, it is predicted to be benign by multiple in silico algorithms, and/or has population frequency not consistent with disease.

NM_005751.5(AKAP9):c.8207T>G (p.Val2736Gly)

Gene: AKAP9 (A-kinase anchoring protein 9; plus strand). Cytogenetic location: 7q21.2.
Variant type: single nucleotide variant.
Coding change: c.8207T>G on transcript NM_005751.5 (MANE Select); coding-DNA position 8207, T replaced by G.
Protein change: p.Val2736Gly; replaces valine 2736 with glycine.
Molecular consequence: missense variant.
Genome position (GRCh38, 1-based): chr7:92,083,216, T>G. VCF-style: chr7-92083216-T-G. GRCh37 (hg19) VCF-style: chr7-91712530-T-G.
Other names: p.V2736G:GTT>GGT; c.2852T>G, p.Val951Gly (NM_001379277.1); c.8183T>G, p.Val2728Gly (NM_147185.3); short protein forms V2736G, V2728G, V951G.
Identifiers: ClinVar variation 190491 (VCV000190491.1), dbSNP rs769936861, ClinGen allele CA300624.
Genomic context (GRCh38, chr7:92,083,216, plus strand): 5'-TCATTACGTTTTAGGTAAAAGAAACAAATATGACATCTCTTCAGAAAGACTTAAGCCAAG[T>G]TAGGGATCACCTCGCAGAGGCAAAAGAGAAATTGTCCATTTTAGAAAAAGAAGATGAGAC-3'
Protein context (NP_005742.4, residues 2726-2746): MTSLQKDLSQ[Val2736Gly]RDHLAEAKEK